The following is an entry in ClinVar:

NM_015443.4(KANSL1):c.2104A>T (p.Lys702Ter)

Gene: KANSL1 (KAT8 regulatory NSL complex subunit 1). Cytogenetic location: 17q21.31.
Variant type: single nucleotide variant.
Coding change: c.2104A>T on transcript NM_015443.4 (MANE Select); coding-DNA position 2104, A replaced by T.
Protein change: p.Lys702Ter; replaces lysine 702 with a stop codon.
Molecular consequence: nonsense.
Genome position (GRCh38, 1-based): chr17:46,039,801, T>A on the plus strand (A>T on the coding strand, the complement: KANSL1 is on the minus strand). VCF-style: chr17-46039801-T-A. GRCh37 (hg19) VCF-style: chr17-44117167-T-A.
Other names: c.2104A>T, p.Lys702Ter (NM_001193465.2, NM_001193466.2, NM_001379198.1 and 14 more transcripts); c.2002A>T, p.Lys668Ter (NM_001405859.1, NM_001405860.1, NM_001405861.1 and 1 more transcripts); c.838A>T, p.Lys280Ter (NM_001405882.1, NM_001405883.1, NM_001405884.1 and 1 more transcripts); short protein forms K668*, K702*, K280*.
Identifiers: ClinVar variation 2863434 (VCV002863434.3), dbSNP rs2510501074, ClinGen allele CA399982411.

ClinVar aggregate classification (germline): Pathogenic (1 of 4 stars; one submission).

Conditions:
Koolen-de Vries syndrome (KDVS). Identifiers: Orphanet 96169, MedGen C1864871, MONDO:0012496, OMIM 610443.

Submission:

Labcorp Genetics (formerly Invitae), Labcorp
Classification: Pathogenic for Koolen-de Vries syndrome. Last evaluated: 2023-05-24. Review status: criteria provided, single submitter. Criteria: Invitae Variant Classification Sherloc (09022015). Collection method: clinical testing. Allele origin: germline.
Comment: For these reasons, this variant has been classified as Pathogenic. This variant has not been reported in the literature in individuals affected with KANSL1-related conditions. This variant is not present in population databases (gnomAD no frequency). This sequence change creates a premature translational stop signal (p.Lys702*) in the KANSL1 gene. It is expected to result in an absent or disrupted protein product. Loss-of-function variants in KANSL1 are known to be pathogenic (PMID: 22544363, 22544367).

Literature cited by the submitters: PubMed 22544363; PubMed 22544367.